The following is an entry in ClinVar:

NM_001040142.2(SCN2A):c.466A>G (p.Lys156Glu)

Gene: SCN2A (sodium voltage-gated channel alpha subunit 2; plus strand). Cytogenetic location: 2q24.3.
Variant type: single nucleotide variant.
Coding change: c.466A>G on transcript NM_001040142.2 (MANE Select); coding-DNA position 466, A replaced by G.
Protein change: p.Lys156Glu; replaces lysine 156 with glutamic acid.
Molecular consequence: missense variant.
Genome position (GRCh38, 1-based): chr2:165,307,927, A>G. VCF-style: chr2-165307927-A-G. GRCh37 (hg19) VCF-style: chr2-166164437-A-G.
Other names: NM_001040142.2(SCN2A):c.466A>G; p.Lys156Glu; c.466A>G, p.Lys156Glu (NM_001040143.2, NM_001371246.1, NM_001371247.1 and 1 more transcripts); short protein forms K156E.
Identifiers: ClinVar variation 1335404 (VCV001335404.36), dbSNP rs1553567130, ClinGen allele CA349015587.
Genomic context (GRCh38, chr2:165,307,927, plus strand): 5'-ATGTGCACGATTCTTACCAACTGTGTATTTATGACCATGAGTAACCCTCCAGACTGGACA[A>G]AGAATGTGGAGTAAGTATAAATATTTTTCAATATTGACCTCCCTTTATGTTTCATATTGT-3'
Protein context (NP_001035232.1, residues 146-166): MTMSNPPDWT[Lys156Glu]NVEYTFTGIY

ClinVar aggregate classification (germline): Likely pathogenic. Review status: reviewed by expert panel (3 of 4 stars). 2 submissions from 2 submitters: Likely pathogenic (1). 1 of the submissions does not count toward it. Last evaluated 2026-02-24.

Conditions:
Complex neurodevelopmental disorder. Identifiers: Orphanet 528084, MedGen C5568766, MONDO:0100038.

Submissions (2):

ClinGen Epilepsy Sodium Channel Variant Curation Expert Panel, Clingen
Classification: Likely pathogenic for Complex neurodevelopmental disorder. Last evaluated: 2026-02-24. Review status: reviewed by expert panel. Criteria: ClinGen EpilepsySCN ACMG Specifications SCN2A V2.0.0. Collection method: curation. Allele origin: germline. Inheritance: Autosomal dominant inheritance.
Comment: The c.466A>G variant in SCN2A is a missense variant predicted to cause substitution of Lysine by Glutamic Acid at amino acid 156 (p.Lys156Glu). This variant has been identified as a de novo occurrence with unconfirmed parental relationships in 1 individual with complex neurodevelopmental disorder (PM6_supporting; PMID 31572294). This variant is absent from gnomAD v4.1.0 (PM2_supporting). The computational predictor REVEL gives a score of 0.902, which is above the threshold of 0.644, evidence that correlates with impact to SCN2A function (PP3_moderate). Another missense variant c.468G>T (p.Lys156Asn)(ClinVar Variation ID 3340847) in the same codon has been classified as pathogenic for complex neurodevelopmental disorder by the ClinGen Epilepsy Sodium Channel VCEP (PM5). Two different missense variants, c.466A>C (p.Lys156Gln) and c.468G>C (p.Lys156Asn), in the same codon have been previously reported, however, these variants were not considered in this interpretation. In summary, this variant meets the criteria to be classified as Likely Pathogenic for autosomal dominant complex neurodevelopmental disorder based on the ACMG/AMP criteria applied, as specified by the ClinGen Epilepsy Sodium Channel VCEP: PP3_moderate, PM5, PM6_supporting, PM2_supporting. (Version 2.0.0; Feb 24, 2026)

CeGaT Center for Human Genetics Tuebingen
Classification: Likely pathogenic. Last evaluated: 2021-11-01. Review status: criteria provided, single submitter. Criteria: CeGaT Center For Human Genetics Tuebingen Variant Classification Criteria Version 2. Collection method: clinical testing. Allele origin: germline. Affected: yes. Observed: 1 variant allele. Not counted in ClinVar's aggregate classification.